The following is an entry in ClinVar:

NC_000019.9:g.(?_11094818)_(11107066_?)dup

Gene: SMARCA4 (SWI/SNF related BAF chromatin remodeling complex subunit ATPase 4; plus strand). Cytogenetic location: 19p13.2.
Variant type: Duplication.
Identifiers: ClinVar variation 583852 (VCV000583852.3).

ClinVar aggregate classification (germline): Uncertain significance (1 of 4 stars; one submission).

Conditions:
Rhabdoid tumor predisposition syndrome 2 (RTPS2). Identifiers: Orphanet 231108, Orphanet 69077, MedGen C2750074, MONDO:0013224, OMIM 613325.

Submission:

Labcorp Genetics (formerly Invitae), Labcorp
Classification: Uncertain significance for Rhabdoid tumor predisposition syndrome 2. Last evaluated: 2018-05-14. Review status: criteria provided, single submitter. Criteria: Invitae Variant Classification Sherloc (09022015). Collection method: clinical testing. Allele origin: germline.
Comment: This variant results in a copy number gain of the genomic region encompassing the full coding sequence of the SMARCA4 gene. The boundaries of this event are unknown as they extend beyond the assayed region for this gene and therefore may encompass additional genes. As the precise location of this event is unknown, it may be in tandem or it may be located elsewhere in the genome. This variant has not been reported in the literature in individuals with SMARCA4-related disease. Experimental studies and prediction algorithms are not available for this variant, and the functional significance of the duplicated amino acids is currently unknown. In summary, the available evidence is currently insufficient to determine the role of this variant in disease. Therefore, it has been classified as a Variant of Uncertain Significance.